The following is an entry in ClinVar:

ClinVar aggregate classification (germline): Uncertain significance (1 of 4 stars; one submission).

Submission:

Ambry Genetics
Classification: Uncertain significance. Last evaluated: 2021-06-14. Review status: criteria provided, single submitter. Criteria: Ambry Variant Classification Scheme 2023. Collection method: clinical testing. Allele origin: germline.
Comment: The p.Q956P variant (also known as c.2867A>C), located in coding exon 18 of the MYOM1 gene, results from an A to C substitution at nucleotide position 2867. The glutamine at codon 956 is replaced by proline, an amino acid with similar properties. This amino acid position is conserved. In addition, this alteration is predicted to be tolerated by in silico analysis. Since supporting evidence is limited at this time, the clinical significance of this alteration remains unclear.

NM_003803.4(MYOM1):c.2867A>C (p.Gln956Pro)

Gene: MYOM1 (myomesin 1; minus strand). Cytogenetic location: 18p11.31.
Variant type: single nucleotide variant.
Coding change: c.2867A>C on transcript NM_003803.4 (MANE Select); coding-DNA position 2867, A replaced by C.
Protein change: p.Gln956Pro; replaces glutamine 956 with proline.
Molecular consequence: missense variant.
Genome position (GRCh38, 1-based): chr18:3,126,825, T>G on the plus strand (A>C on the coding strand, the complement: MYOM1 is on the minus strand). VCF-style: chr18-3126825-T-G. GRCh37 (hg19) VCF-style: chr18-3126823-T-G.
Other names: c.2579A>C, p.Gln860Pro (NM_019856.2); short protein forms Q860P, Q956P.
Identifiers: ClinVar variation 1797005 (VCV001797005.2), dbSNP rs201016116, ClinGen allele CA295510805.